The following is an entry in ClinVar:

ClinVar aggregate classification (germline): Likely pathogenic. Review status: criteria provided, multiple submitters, no conflicts (2 of 4 stars). 2 submissions from 2 submitters: Likely pathogenic (2). Last evaluated 2026-07-29.

Conditions:
Birt-Hogg-Dube syndrome. Also called: Birt Hogg Dubé syndrome. Identifiers: Orphanet 122, MedGen C0346010, MONDO:0800444.
Hereditary cancer-predisposing syndrome. Also called: Hereditary neoplastic syndrome; Hereditary Cancer Syndrome; Neoplastic Syndromes, Hereditary; Tumor predisposition. Identifiers: Orphanet 140162, MedGen C0027672, MeSH D009386, MONDO:0015356.

Submissions (2):

Ambry Genetics
Classification: Likely pathogenic for Hereditary cancer-predisposing syndrome. Last evaluated: 2026-07-29. Review status: criteria provided, single submitter. Criteria: Ambry Variant Classification Scheme 2023. Collection method: clinical testing. Allele origin: germline.
Comment: The c.871+1G>T intronic variant results from a G to T substitution one nucleotide after coding exon 5 of the FLCN gene. This nucleotide position is highly conserved in available vertebrate species. In silico splice site analysis predicts that this alteration will weaken the native splice donor site. This variant is considered to be rare based on population cohorts in the Genome Aggregation Database (gnomAD). Alterations that disrupt the canonical splice site are expected to cause aberrant splicing, resulting in an abnormal protein or a transcript that is subject to nonsense-mediated mRNA decay. As such, this alteration is classified as likely pathogenic.

Myriad Genetics, Inc.
Classification: Likely pathogenic for Birt-Hogg-Dube syndrome 1. Last evaluated: 2023-07-19. Review status: criteria provided, single submitter. Criteria: Myriad Autosomal Dominant, Autosomal Recessive and X-Linked Classification Criteria (2023). Collection method: clinical testing. Allele origin: unknown.
Comment: This variant is considered likely pathogenic. This variant occurs within a consensus splice junction and is predicted to result in abnormal mRNA splicing of either an out-of-frame exon or an in-frame exon necessary for protein stability and/or normal function.

NM_144997.7(FLCN):c.871+1G>T

Gene: FLCN (folliculin; minus strand). Cytogenetic location: 17p11.2.
Variant type: single nucleotide variant.
Coding change: c.871+1G>T on transcript NM_144997.7 (MANE Select); the canonical splice donor site of the intron after coding-DNA position 871, G replaced by T.
Molecular consequence: splice donor variant. On other transcripts: missense variant (1).
Genome position (GRCh38, 1-based): chr17:17,221,536, C>A on the plus strand (G>T on the coding strand, the complement: FLCN is on the minus strand). VCF-style: chr17-17221536-C-A. GRCh37 (hg19) VCF-style: chr17-17124850-C-A.
Other names: c.871+1G>T (NM_144997.5, NM_001353231.2, NM_001353230.2); c.872G>T, p.Gly291Val (NM_144606.7); c.925+1G>T (NM_001353229.2); short protein forms G291V.
Identifiers: ClinVar variation 2673438 (VCV002673438.2), dbSNP rs2144930944, ClinGen allele CA398533606.